The following is an entry in ClinVar:

ClinVar aggregate classification (germline): Uncertain significance. Review status: criteria provided, multiple submitters, no conflicts (2 of 4 stars). 3 submissions from 3 submitters: Uncertain significance (3). Last evaluated 2024-03-07.

Conditions:
Hereditary cancer-predisposing syndrome. Also called: Hereditary Cancer Syndrome; Neoplastic Syndromes, Hereditary; Hereditary neoplastic syndrome; Tumor predisposition. Identifiers: Orphanet 140162, MedGen C0027672, MeSH D009386, MONDO:0015356.
Hereditary nonpolyposis colorectal neoplasms. Identifiers: MedGen C0009405, MeSH D003123.

Submissions (3):

Color Diagnostics, LLC DBA Color Health
Classification: Uncertain significance for Hereditary cancer-predisposing syndrome. Last evaluated: 2024-03-07. Review status: criteria provided, single submitter. Criteria: ACMG Guidelines, 2015. Collection method: clinical testing. Allele origin: germline.
Comment: This missense variant replaces threonine with serine at codon 407 of the MSH6 protein. Computational prediction tool suggests that this variant may have deleterious impact on protein structure and function (internally defined REVEL score threshold >=0.7, PMID: 27666373). Splice site prediction tools suggest that this variant may not impact RNA splicing. To our knowledge, functional studies have not been performed for this variant. This variant has not been reported in individuals affected with hereditary cancer in the literature. This variant has not been identified in the general population by the Genome Aggregation Database (gnomAD). The available evidence is insufficient to determine the role of this variant in disease conclusively. Therefore, this variant is classified as a Variant of Uncertain Significance.

Labcorp Genetics (formerly Invitae), Labcorp
Classification: Uncertain significance for Hereditary nonpolyposis colorectal neoplasms. Last evaluated: 2022-06-12. Review status: criteria provided, single submitter. Criteria: Invitae Variant Classification Sherloc (09022015). Collection method: clinical testing. Allele origin: germline.
Comment: In summary, the available evidence is currently insufficient to determine the role of this variant in disease. Therefore, it has been classified as a Variant of Uncertain Significance. Algorithms developed to predict the effect of missense changes on protein structure and function (SIFT, PolyPhen-2, Align-GVGD) all suggest that this variant is likely to be disruptive. ClinVar contains an entry for this variant (Variation ID: 428376). This variant has not been reported in the literature in individuals affected with MSH6-related conditions. This variant is not present in population databases (gnomAD no frequency). This sequence change replaces threonine, which is neutral and polar, with serine, which is neutral and polar, at codon 407 of the MSH6 protein (p.Thr407Ser).

Ambry Genetics
Classification: Uncertain significance for Hereditary cancer-predisposing syndrome. Last evaluated: 2015-03-23. Review status: criteria provided, single submitter. Criteria: Ambry Variant Classification Scheme 2023. Collection method: clinical testing. Allele origin: germline.
Comment: The p.T407S variant (also known as c.1220C>G), located in coding exon 4 of the MSH6 gene, results from a C to G substitution at nucleotide position 1220. The threonine at codon 407 is replaced by serine, an amino acid with similar properties. This variant was not reported in population-based cohorts in the following databases: Database of Single Nucleotide Polymorphisms (dbSNP), NHLBI Exome Sequencing Project (ESP) and 1000 Genomes Project. In the ESP, this variant was not observed in 6503 samples (13006 alleles) with coverage at this position. To date, this alteration has been detected with an allele frequency of approximately 0.002% (greater than 42000 alleles tested) in our clinical cohort. This amino acid position is well conserved in available vertebrate species. In addition, this alteration is predicted to be benign by PolyPhen, but deleterious by SIFT in silico analyses. Since supporting evidence is limited at this time, the clinical significance of p.T407S remains unclear.

NM_000179.3(MSH6):c.1220C>G (p.Thr407Ser)

Gene: MSH6 (mutS homolog 6; plus strand). Cytogenetic location: 2p16.3.
Variant type: single nucleotide variant.
Coding change: c.1220C>G on transcript NM_000179.3 (MANE Select); coding-DNA position 1220, C replaced by G.
Protein change: p.Thr407Ser; replaces threonine 407 with serine.
Molecular consequence: missense variant.
Genome position (GRCh38, 1-based): chr2:47,799,203, C>G. VCF-style: chr2-47799203-C-G. GRCh37 (hg19) VCF-style: chr2-48026342-C-G.
Other names: c.830C>G, p.Thr277Ser (NM_001281492.2); c.314C>G, p.Thr105Ser (NM_001281493.2, NM_001281494.2); short protein forms T407S, T105S, T277S.
Identifiers: ClinVar variation 428376 (VCV000428376.14), dbSNP rs1114167754, ClinGen allele CA346743566.